The following is an entry in ClinVar:

NM_001130438.3(SPTAN1):c.2933A>G (p.Tyr978Cys)

Gene: SPTAN1 (spectrin alpha, non-erythrocytic 1; plus strand). Cytogenetic location: 9q34.11.
Variant type: single nucleotide variant.
Coding change: c.2933A>G on transcript NM_001130438.3 (MANE Select); coding-DNA position 2933, A replaced by G.
Protein change: p.Tyr978Cys; replaces tyrosine 978 with cysteine.
Molecular consequence: missense variant.
Genome position (GRCh38, 1-based): chr9:128,588,870, A>G. VCF-style: chr9-128588870-A-G. GRCh37 (hg19) VCF-style: chr9-131351149-A-G.
Other names: c.2933A>G, p.Tyr978Cys (NM_001195532.2, NM_001363759.2, NM_001363765.2 and 5 more transcripts); c.2969A>G, p.Tyr990Cys (NM_001375312.2, NM_001375318.1); short protein forms Y978C, Y990C.
Identifiers: ClinVar variation 1901038 (VCV001901038.5), dbSNP rs1435422831, ClinGen allele CA375059808.

ClinVar aggregate classification (germline): Uncertain significance (1 of 4 stars; one submission).

Conditions:
Early-infantile DEE. Also called: Ohtahara syndrome; Early infantile epileptic encephalopathy; Early infantile epileptic encephalopathy with suppression bursts. Identifiers: Orphanet 1934, MedGen C0393706, MONDO:0800491.

gnomAD v4.1: 1 of 1,614,178 alleles (0.000062%); highest among the groups gnomAD compares: South Asian, 0.0011%; no homozygotes.

Submission:

Labcorp Genetics (formerly Invitae), Labcorp
Classification: Uncertain significance for Early-infantile DEE. Last evaluated: 2024-06-04. Review status: criteria provided, single submitter. Criteria: Invitae Variant Classification Sherloc (09022015). Collection method: clinical testing. Allele origin: germline.
Comment: This sequence change replaces tyrosine, which is neutral and polar, with cysteine, which is neutral and slightly polar, at codon 978 of the SPTAN1 protein (p.Tyr978Cys). This variant is present in population databases (no rsID available, gnomAD 0.003%). This missense change has been observed in individual(s) with clinical features of developmental and epileptic encephalopathy (Invitae). ClinVar contains an entry for this variant (Variation ID: 1901038). Advanced modeling of protein sequence and biophysical properties (such as structural, functional, and spatial information, amino acid conservation, physicochemical variation, residue mobility, and thermodynamic stability) has been performed at Invitae for this missense variant, however the output from this modeling did not meet the statistical confidence thresholds required to predict the impact of this variant on SPTAN1 protein function. In summary, the available evidence is currently insufficient to determine the role of this variant in disease. Therefore, it has been classified as a Variant of Uncertain Significance.